The following is an entry in ClinVar:

ClinVar aggregate classification (germline): Likely pathogenic (1 of 4 stars; one submission).

Conditions:
Arginase deficiency. Also called: ARGININEMIA; ARG1 DEFICIENCY; Arginase 1 Deficiency. Identifiers: Orphanet 90, MedGen C0268548, MONDO:0008814, OMIM 207800.

Submission:

Labcorp Genetics (formerly Invitae), Labcorp
Classification: Likely pathogenic for Arginase deficiency. Last evaluated: 2021-12-31. Review status: criteria provided, single submitter. Criteria: Invitae Variant Classification Sherloc (09022015). Collection method: clinical testing. Allele origin: germline.
Comment: This sequence change affects an acceptor splice site in intron 3 of the ARG1 gene. It is expected to disrupt RNA splicing. Variants that disrupt the donor or acceptor splice site typically lead to a loss of protein function (PMID: 16199547), and loss-of-function variants in ARG1 are known to be pathogenic (PMID: 7649538, 12052859). This variant is not present in population databases (gnomAD no frequency). This variant has not been reported in the literature in individuals affected with ARG1-related conditions. Algorithms developed to predict the effect of sequence changes on RNA splicing suggest that this variant may disrupt the consensus splice site. In summary, the currently available evidence indicates that the variant is pathogenic, but additional data are needed to prove that conclusively. Therefore, this variant has been classified as Likely Pathogenic.

Literature cited by the submitters: PubMed 16199547; PubMed 7649538; PubMed 12052859.

NM_000045.4(ARG1):c.306-1G>T

Genes: ARG1 (arginase 1; plus strand), MED23 (mediator complex subunit 23; minus strand). Cytogenetic location: 6q23.2.
Variant type: single nucleotide variant.
Coding change: c.306-1G>T on transcript NM_000045.4 (MANE Select); the canonical splice acceptor site of the intron before coding-DNA position 306, G replaced by T.
Molecular consequence: splice acceptor variant. On other transcripts: intron variant (3).
Genome position (GRCh38, 1-based): chr6:131,581,218, G>T. VCF-style: chr6-131581218-G-T. GRCh37 (hg19) VCF-style: chr6-131902358-G-T.
Other names: c.330-1G>T (NM_001244438.2); c.306-1842G>T (NM_001369020.1); c.4077+6491C>A (NM_001270521.2); c.4095+6491C>A (NM_015979.4).
Identifiers: ClinVar variation 1974266 (VCV001974266.5), dbSNP rs2482368025, ClinGen allele CA365650886.